The following is an entry in ClinVar:

NM_001286611.2(REPS1):c.2281G>A (p.Val761Ile)

Gene: REPS1 (RALBP1 associated Eps domain containing 1; minus strand). Cytogenetic location: 6q24.1.
Variant type: single nucleotide variant.
Coding change: c.2281G>A on transcript NM_001286611.2 (MANE Select); coding-DNA position 2281, G replaced by A.
Protein change: p.Val761Ile; replaces valine 761 with isoleucine.
Molecular consequence: missense variant.
Genome position (GRCh38, 1-based): chr6:138,907,536, C>T on the plus strand (G>A on the coding strand, the complement: REPS1 is on the minus strand). VCF-style: chr6-138907536-C-T. GRCh37 (hg19) VCF-style: chr6-139228673-C-T.
Other names: c.2200G>A, p.Val734Ile (NM_001128617.3); c.2008G>A, p.Val670Ile (NM_001286612.2); c.2278G>A, p.Val760Ile (NM_031922.5); c.2278G>A (NM_031922.3); short protein forms V670I, V734I, V760I, V761I.
Identifiers: ClinVar variation 3626270 (VCV003626270.3).
Genomic context (GRCh38, chr6:138,907,536, plus strand): 5'-GATTCAGAAACTATATTACCTTTAATTGTTGCTGCAATTCGCTATTCAATCTGGCCAAAA[C>T]GGTGTTGGTTTCCTTATTACGTCTAATTGATGCCTGAATAGCTTTCTTATCTTTCCCAAC-3'
Protein context (NP_001273540.1, residues 751-771): SIRRNKETNT[Val761Ile]LARLNSELQQ

ClinVar aggregate classification (germline): Uncertain significance. Review status: criteria provided, multiple submitters, no conflicts (2 of 4 stars). 2 submissions from 2 submitters: Uncertain significance (2). Last evaluated 2025-10-28.

gnomAD v4.1: 19 of 1,613,416 alleles (0.0012%); highest among the groups gnomAD compares: Non-Finnish European, 0.0013%; no homozygotes.

Submissions (2):

Ambry Genetics
Classification: Uncertain significance. Last evaluated: 2025-10-28. Review status: criteria provided, single submitter. Criteria: Ambry Variant Classification Scheme 2023. Collection method: clinical testing. Allele origin: germline.

Labcorp Genetics (formerly Invitae), Labcorp
Classification: Uncertain significance. Last evaluated: 2024-02-03. Review status: criteria provided, single submitter. Criteria: Invitae Variant Classification Sherloc (09022015). Collection method: clinical testing. Allele origin: germline.
Comment: This sequence change replaces valine, which is neutral and non-polar, with isoleucine, which is neutral and non-polar, at codon 761 of the REPS1 protein (p.Val761Ile). This variant is present in population databases (rs780634706, gnomAD 0.004%). This variant has not been reported in the literature in individuals affected with REPS1-related conditions. Advanced modeling of protein sequence and biophysical properties (such as structural, functional, and spatial information, amino acid conservation, physicochemical variation, residue mobility, and thermodynamic stability) performed at Invitae indicates that this missense variant is expected to disrupt REPS1 protein function with a positive predictive value of 80%. In summary, the available evidence is currently insufficient to determine the role of this variant in disease. Therefore, it has been classified as a Variant of Uncertain Significance.